The following is an entry in ClinVar:

ClinVar aggregate classification (germline): Uncertain significance (1 of 4 stars; one submission).

Conditions:
D-2-hydroxyglutaric aciduria 2 (D2HGA2). Identifiers: Orphanet 79315, MedGen C3150909, MONDO:0013345, OMIM 613657.

Allele frequency attached by ClinVar (database versions not stated): ExAC 0.00002; gnomAD 0.00002; TOPMed 0.00002; gnomAD exomes 0.00003; 1000 Genomes Project 30x 0.00016; 1000 Genomes Project 0.00020.
gnomAD v4.1: 18 of 1,614,232 alleles (0.0011%); highest among the groups gnomAD compares: Admixed American, 0.015%; no homozygotes.

Submission:

Labcorp Genetics (formerly Invitae), Labcorp
Classification: Uncertain significance for D-2-hydroxyglutaric aciduria 2. Last evaluated: 2024-02-20. Review status: criteria provided, single submitter. Criteria: Invitae Variant Classification Sherloc (09022015). Collection method: clinical testing. Allele origin: germline.
Comment: This sequence change replaces valine, which is neutral and non-polar, with methionine, which is neutral and non-polar, at codon 50 of the IDH2 protein (p.Val50Met). This variant is present in population databases (rs201999104, gnomAD 0.01%). This variant has not been reported in the literature in individuals affected with IDH2-related conditions. ClinVar contains an entry for this variant (Variation ID: 2156042). Advanced modeling of protein sequence and biophysical properties (such as structural, functional, and spatial information, amino acid conservation, physicochemical variation, residue mobility, and thermodynamic stability) performed at Invitae indicates that this missense variant is not expected to disrupt IDH2 protein function with a negative predictive value of 80%. In summary, the available evidence is currently insufficient to determine the role of this variant in disease. Therefore, it has been classified as a Variant of Uncertain Significance.

NM_002168.4(IDH2):c.148G>A (p.Val50Met)

Gene: IDH2 (isocitrate dehydrogenase (NADP(+)) 2; minus strand). Cytogenetic location: 15q26.1.
Variant type: single nucleotide variant.
Coding change: c.148G>A on transcript NM_002168.4 (MANE Select); coding-DNA position 148, G replaced by A.
Protein change: p.Val50Met; replaces valine 50 with methionine.
Molecular consequence: missense variant. On other transcripts: 5 prime UTR variant (1), intron variant (1).
Genome position (GRCh38, 1-based): chr15:90,091,612, C>T on the plus strand (G>A on the coding strand, the complement: IDH2 is on the minus strand). VCF-style: chr15-90091612-C-T. GRCh37 (hg19) VCF-style: chr15-90634844-C-T.
Other names: c.-9G>A (NM_001289910.1); c.-17-2865G>A (NM_001290114.2); short protein forms V50M.
Identifiers: ClinVar variation 2156042 (VCV002156042.4), dbSNP rs201999104, ClinGen allele CA7733268.
Genomic context (GRCh38, chr15:90,091,612, plus strand): 5'-CCTTCTCCTTGATGAACTGCCAGATAATACGGGTCATCTCATCACCATCCATCTCCACCA[C>T]GGGCTTCGCCACCTTGATCCTTTTGTCGGCATCTAGAAGCAGGGACACACAGCGCATCAT-3'
Protein context (NP_002159.2, residues 40-60): ADKRIKVAKP[Val50Met]VEMDGDEMTR